The following is an entry in ClinVar:

ClinVar aggregate classification (germline): Uncertain significance (1 of 4 stars; one submission).

Conditions:
Hereditary cancer-predisposing syndrome. Also called: Neoplastic Syndromes, Hereditary; Tumor predisposition; Hereditary neoplastic syndrome; Hereditary Cancer Syndrome. Identifiers: Orphanet 140162, MedGen C0027672, MeSH D009386, MONDO:0015356.

Submission:

Ambry Genetics
Classification: Uncertain significance for Hereditary cancer-predisposing syndrome. Last evaluated: 2026-07-06. Review status: criteria provided, single submitter. Criteria: Ambry Variant Classification Scheme 2023. Collection method: clinical testing. Allele origin: germline.
Comment: The p.L908F variant (also known as c.2724A>T), located in coding exon 13 of the BLM gene, results from an A to T substitution at nucleotide position 2724. The leucine at codon 908 is replaced by phenylalanine, an amino acid with highly similar properties. This amino acid position is conserved. In addition, this alteration is predicted to be deleterious by in silico analysis. Based on the available evidence, the clinical significance of this variant remains unclear.

NM_000057.4(BLM):c.2724A>T (p.Leu908Phe)

Gene: BLM (BLM RecQ like helicase; plus strand). Cytogenetic location: 15q26.1.
Variant type: single nucleotide variant.
Coding change: c.2724A>T on transcript NM_000057.4 (MANE Select); coding-DNA position 2724, A replaced by T.
Protein change: p.Leu908Phe; replaces leucine 908 with phenylalanine.
Molecular consequence: missense variant.
Genome position (GRCh38, 1-based): chr15:90,784,982, A>T. VCF-style: chr15-90784982-A-T. GRCh37 (hg19) VCF-style: chr15-91328212-A-T.
Other names: c.2724A>T, p.Leu908Phe (NM_001287246.2, NM_001287247.2); c.1599A>T, p.Leu533Phe (NM_001287248.2); short protein forms L533F, L908F.
Identifiers: ClinVar variation 5032879 (VCV005032879.1).